The following is an entry in ClinVar:

NM_001037333.3(CYFIP2):c.260G>C (p.Arg87Pro)

Gene: CYFIP2 (cytoplasmic FMR1 interacting protein 2; plus strand). Cytogenetic location: 5q33.3.
Variant type: single nucleotide variant.
Coding change: c.260G>C on transcript NM_001037333.3 (MANE Select); coding-DNA position 260, G replaced by C.
Protein change: p.Arg87Pro; replaces arginine 87 with proline.
Molecular consequence: missense variant. On other transcripts: intron variant (1).
Genome position (GRCh38, 1-based): chr5:157,294,835, G>C. VCF-style: chr5-157294835-G-C. GRCh37 (hg19) VCF-style: chr5-156721844-G-C.
Other names: c.260G>C, p.Arg87Pro (NM_001291722.2, NM_014376.4); c.208-1838G>C (NM_001291721.2); short protein forms R87P.
Identifiers: ClinVar variation 545429 (VCV000545429.11), dbSNP rs1554108163, ClinGen allele CA361965784.

ClinVar aggregate classification (germline): Pathogenic/Likely pathogenic. Review status: criteria provided, multiple submitters, no conflicts (2 of 4 stars). 3 submissions from 3 submitters: Pathogenic (1); Likely pathogenic (1). 1 of the submissions does not count toward it. Last evaluated 2018-10-15.

Conditions:
Developmental and epileptic encephalopathy, 65. Also called: EPILEPTIC ENCEPHALOPATHY, EARLY INFANTILE, 65. Identifiers: MedGen C4693925, MONDO:0033374, OMIM 618008.

Submissions (3):

SIB Swiss Institute of Bioinformatics
Classification: Likely pathogenic for Developmental and epileptic encephalopathy, 65. Last evaluated: 2018-10-15. Review status: criteria provided, single submitter. Criteria: ACMG Guidelines, 2015. Collection method: curation. Allele origin: unknown.
Comment: This variant is interpreted as Likely Pathogenic, for Epileptic encephalopathy, early infantile, 65, autosomal dominant. The following ACMG Tag(s) were applied: PM2 => Absent from controls (or at extremely low frequency if recessive) in Exome Sequencing Project, 1000 Genomes Project, or Exome Aggregation Consortium. PP3 => Multiple lines of computational evidence support a deleterious effect on the gene or gene product. PM1 => Located in a mutational hot spot and/or critical and well-established functional domain (e.g., active site of an enzyme) without benign variation (PubMed 29534297). PS2 => De novo (paternity and maternity confirmed) (PubMed 29534297).

Labcorp Genetics (formerly Invitae), Labcorp
Classification: Pathogenic. Last evaluated: 2018-04-17. Review status: criteria provided, single submitter. Criteria: Invitae Variant Classification Sherloc (09022015). Collection method: clinical testing. Allele origin: germline.
Comment: This sequence change replaces arginine with proline at codon 87 of the CYFIP2 protein (p.Arg87Pro). The arginine residue is highly conserved and there is a moderate physicochemical difference between arginine and proline. This variant is not present in population databases (ExAC no frequency). For these reasons, this variant has been classified as Pathogenic. The p.Arg87 amino acid residue in CYFIP2 has been determined to be clinically significant (PMID: 29534297, 29667327). This suggests that variants that disrupt this residue are likely to be causative of disease. Algorithms developed to predict the effect of missense changes on protein structure and function do not agree on the potential impact of this missense change (SIFT: "Deleterious"; PolyPhen-2: "Possibly Damaging"; Align-GVGD: "Class C0"). This variant has been reported to be de novo in an individual affected with Ohtahara syndrome (PMID: 29534297).

OMIM
Classification: Pathogenic for DEVELOPMENTAL AND EPILEPTIC ENCEPHALOPATHY 65. Last evaluated: 2020-11-17. Review status: no assertion criteria provided. Collection method: literature only. Allele origin: germline. Not counted in ClinVar's aggregate classification.

Literature cited by the submitters: PubMed 29534297 (cited by 3 submitters); PubMed 29667327 (cited by Labcorp Genetics (formerly Invitae), Labcorp).